The following is an entry in ClinVar:

ClinVar aggregate classification (germline): Uncertain significance. Review status: criteria provided, multiple submitters, no conflicts (2 of 4 stars). 3 submissions from 3 submitters: Uncertain significance (3). Last evaluated 2024-12-27.

Conditions:
Familial adenomatous polyposis 1 (FAP1). Also called: FAMILIAL ADENOMATOUS POLYPOSIS 1, ATTENUATED; POLYPOSIS, ADENOMATOUS INTESTINAL. Identifiers: MedGen C2713442, MONDO:0021056, OMIM 175100. Disease mechanism: loss of function.
Hereditary cancer-predisposing syndrome. Also called: Neoplastic Syndromes, Hereditary; Tumor predisposition; Hereditary Cancer Syndrome; Hereditary neoplastic syndrome. Identifiers: Orphanet 140162, MedGen C0027672, MeSH D009386, MONDO:0015356.

Submissions (3):

Ambry Genetics
Classification: Uncertain significance for Hereditary cancer-predisposing syndrome. Last evaluated: 2024-12-27. Review status: criteria provided, single submitter. Criteria: Ambry Variant Classification Scheme 2023. Collection method: clinical testing. Allele origin: germline.
Comment: The p.N602S variant (also known as c.1805A>G), located in coding exon 14 of the APC gene, results from an A to G substitution at nucleotide position 1805. The asparagine at codon 602 is replaced by serine, an amino acid with highly similar properties. This amino acid position is highly conserved in available vertebrate species. In addition, in silico predictors for this gene do not accurately predict pathogenicity. Missense alterations in APC are not a common cause of disease (Spier I et al. Genet Med. 2024 Feb;26(2):100992). Based on the available evidence, the clinical significance of this variant remains unclear.

Labcorp Genetics (formerly Invitae), Labcorp
Classification: Uncertain significance for Familial adenomatous polyposis 1. Last evaluated: 2024-02-13. Review status: criteria provided, single submitter. Criteria: Invitae Variant Classification Sherloc (09022015). Collection method: clinical testing. Allele origin: germline.
Comment: This sequence change replaces asparagine, which is neutral and polar, with serine, which is neutral and polar, at codon 602 of the APC protein (p.Asn602Ser). This variant is not present in population databases (gnomAD no frequency). This variant has not been reported in the literature in individuals affected with APC-related conditions. ClinVar contains an entry for this variant (Variation ID: 919879). Advanced modeling of protein sequence and biophysical properties (such as structural, functional, and spatial information, amino acid conservation, physicochemical variation, residue mobility, and thermodynamic stability) performed at Invitae indicates that this missense variant is not expected to disrupt APC protein function with a negative predictive value of 95%. In summary, the available evidence is currently insufficient to determine the role of this variant in disease. Therefore, it has been classified as a Variant of Uncertain Significance.

Color Diagnostics, LLC DBA Color Health
Classification: Uncertain significance for Hereditary cancer-predisposing syndrome. Last evaluated: 2019-12-17. Review status: criteria provided, single submitter. Criteria: ACMG Guidelines, 2015. Collection method: clinical testing. Allele origin: germline.
Comment: This missense variant replaces asparagine with serine at codon 602 of the APC protein. Computational prediction is inconclusive regarding the impact of this variant on protein structure and function (internally defined REVEL score threshold 0.5 < inconclusive < 0.7, PMID: 27666373). Splice site prediction tools suggest that this variant may not impact RNA splicing. To our knowledge, functional studies have not been performed for this variant. This variant has not been reported in individuals affected with hereditary cancer in the literature. This variant has not been identified in the general population by the Genome Aggregation Database (gnomAD). The available evidence is insufficient to determine the role of this variant in disease conclusively. Therefore, this variant is classified as a Variant of Uncertain Significance.

NM_000038.6(APC):c.1805A>G (p.Asn602Ser)

Gene: APC (APC regulator of Wnt signaling pathway; plus strand). Cytogenetic location: 5q22.2.
Variant type: single nucleotide variant.
Coding change: c.1805A>G on transcript NM_000038.6 (MANE Select); coding-DNA position 1805, A replaced by G.
Protein change: p.Asn602Ser; replaces asparagine 602 with serine.
Molecular consequence: missense variant.
Genome position (GRCh38, 1-based): chr5:112,835,012, A>G. VCF-style: chr5-112835012-A-G. GRCh37 (hg19) VCF-style: chr5-112170709-A-G.
Other names: c.1682A>G, p.Asn561Ser (NM_001354900.2); c.1628A>G, p.Asn543Ser (NM_001354901.2); c.1532A>G, p.Asn511Ser (NM_001354902.2); c.1502A>G, p.Asn501Ser (NM_001354903.2); c.956A>G, p.Asn319Ser (NM_001354906.2); c.1427A>G, p.Asn476Ser (NM_001354904.2); c.1325A>G, p.Asn442Ser (NM_001354905.2); c.1805A>G, p.Asn602Ser (NM_001127510.3, NM_001354895.2); and 5 more; short protein forms N476S, N620S, N319S, N511S, N543S, N561S, N577S, N442S.
Identifiers: ClinVar variation 919879 (VCV000919879.15), dbSNP rs1580603584, ClinGen allele CA16025270.